The following is an entry in ClinVar:

ClinVar aggregate classification (germline): Uncertain significance (0 of 4 stars; one submission).

Conditions:
KMT2C-related disorder. Also called: KMT2C-related condition; KMT2C-related disorders.

Allele frequency attached by ClinVar (database versions not stated): gnomAD 0.00001.
gnomAD v4.1: 1 of 1,613,878 alleles (0.000062%); highest among the groups gnomAD compares: African/African-American, 0.0013%; no homozygotes.

Submission:

PreventionGenetics, part of Exact Sciences
Classification: Uncertain significance for KMT2C-related condition. Last evaluated: 2024-01-23. Review status: no assertion criteria provided. Collection method: clinical testing. Allele origin: germline.
Comment: The KMT2C c.13019G>A variant is predicted to result in the amino acid substitution p.Gly4340Asp. To our knowledge, this variant has not been reported in the literature or in a large population database, indicating this variant is rare. At this time, the clinical significance of this variant is uncertain due to the absence of conclusive functional and genetic evidence.

NM_170606.3(KMT2C):c.13019G>A (p.Gly4340Asp)

Gene: KMT2C (lysine methyltransferase 2C; minus strand). Cytogenetic location: 7q36.1.
Variant type: single nucleotide variant.
Coding change: c.13019G>A on transcript NM_170606.3 (MANE Select); coding-DNA position 13019, G replaced by A.
Protein change: p.Gly4340Asp; replaces glycine 4340 with aspartic acid.
Molecular consequence: missense variant.
Genome position (GRCh38, 1-based): chr7:152,148,908, C>T on the plus strand (G>A on the coding strand, the complement: KMT2C is on the minus strand). VCF-style: chr7-152148908-C-T. GRCh37 (hg19) VCF-style: chr7-151845993-C-T.
Other names: short protein forms G4340D.
Identifiers: ClinVar variation 3033196 (VCV003033196.2), dbSNP rs2091378715, ClinGen allele CA370093469.
Genomic context (GRCh38, chr7:152,148,908, plus strand): 5'-CACTTCTTCCATTTCATTCCTCTCCATTTTTTATTGAGCGGCCTGCAATCTTCAAACCCA[C>T]CATGGACAGCTCTTAGCCGAGGCTTCAGCTTGACTGTCACCTTCAGCTCATCTGGCTTGG-3'
Protein context (NP_733751.2, residues 4330-4350): KLKPRLRAVH[Gly4340Asp]GFEDCRPLNK